The following is an entry in ClinVar:

NM_006227.4(PLTP):c.271C>T (p.Gln91Ter)

Gene: PLTP (phospholipid transfer protein; minus strand). Cytogenetic location: 20q13.12.
Variant type: single nucleotide variant.
Coding change: c.271C>T on transcript NM_006227.4 (MANE Select); coding-DNA position 271, C replaced by T.
Protein change: p.Gln91Ter; replaces glutamine 91 with a stop codon.
Molecular consequence: nonsense. On other transcripts: intron variant (1).
Genome position (GRCh38, 1-based): chr20:45,910,000, G>A on the plus strand (C>T on the coding strand, the complement: PLTP is on the minus strand). VCF-style: chr20-45910000-G-A. GRCh37 (hg19) VCF-style: chr20-44538639-G-A.
Other names: c.7C>T, p.Gln3Ter (NM_001242921.1); c.271C>T, p.Gln91Ter (NM_182676.3); c.200+1152C>T (NM_001242920.2); short protein forms Q3*, Q91*.
Identifiers: ClinVar variation 4699946 (VCV004699946.1).
Genomic context (GRCh38, chr20:45,910,000, plus strand): 5'-ACAAGAACCAGTAGAGCAGCTGTCTCCGGAAGCGCAGCCCCAAGGAGGCATTGGTGATTT[G>A]AAGCATCAGCTCCTGCTGTGGCTGGAAATCGAGCTCGGAAGATGTCAGTTGCAGCTCTGT-3'

ClinVar aggregate classification (germline): Uncertain significance (1 of 4 stars; one submission).

Submission:

Labcorp Genetics (formerly Invitae), Labcorp
Classification: Uncertain significance. Last evaluated: 2025-07-29. Review status: criteria provided, single submitter. Criteria: Invitae Variant Classification Sherloc (09022015). Collection method: clinical testing. Allele origin: germline.
Comment: This sequence change creates a premature translational stop signal (p.Gln91*) in the PLTP gene. It is expected to result in an absent or disrupted protein product. However, the current clinical and genetic evidence is not sufficient to establish whether loss-of-function variants in PLTP cause disease. This variant is present in population databases (rs777971764, gnomAD 0.008%). This variant has not been reported in the literature in individuals affected with PLTP-related conditions. In summary, the available evidence is currently insufficient to determine the role of this variant in disease. Therefore, it has been classified as a Variant of Uncertain Significance.